The following is an entry in ClinVar:

NM_001876.4(CPT1A):c.634G>A (p.Gly212Ser)

Gene: CPT1A (carnitine palmitoyltransferase 1A; minus strand). Cytogenetic location: 11q13.3.
Variant type: single nucleotide variant.
Coding change: c.634G>A on transcript NM_001876.4 (MANE Select); coding-DNA position 634, G replaced by A.
Protein change: p.Gly212Ser; replaces glycine 212 with serine.
Molecular consequence: missense variant.
Genome position (GRCh38, 1-based): chr11:68,799,277, C>T on the plus strand (G>A on the coding strand, the complement: CPT1A is on the minus strand). VCF-style: chr11-68799277-C-T. GRCh37 (hg19) VCF-style: chr11-68566745-C-T.
Other names: c.634G>A (NM_001876.3); c.634G>A, p.Gly212Ser (NM_001031847.3); short protein forms G212S.
Identifiers: ClinVar variation 1062038 (VCV001062038.11), dbSNP rs141191480, ClinGen allele CA6152605.

ClinVar aggregate classification (germline): Conflicting classifications of pathogenicity. Review status: criteria provided, conflicting classifications (1 of 4 stars). 3 submissions from 3 submitters: Uncertain significance (1); Likely benign (1). 1 of the submissions does not count toward it. Last evaluated 2022-09-14.

Conditions:
Inborn genetic diseases. Identifiers: MedGen C0950123, MeSH D030342.
Carnitine palmitoyl transferase 1A deficiency. Also called: CPT deficiency, hepatic, type IA; Carnitine palmitoyltransferase type I deficiency; Carnitine palmitoyltransferase 1A deficiency; CPT I DEFICIENCY; CPT DEFICIENCY, HEPATIC, TYPE I. Identifiers: Orphanet 156, MedGen C1829703, MONDO:0009705, OMIM 255120.

Allele frequency attached by ClinVar (database versions not stated): ExAC 0.00002; gnomAD 0.00002; gnomAD exomes 0.00002 and 0.00003; ESP Exome Variant Server 0.00008.
gnomAD v4.1: 31 of 1,613,838 alleles (0.0019%); highest among the groups gnomAD compares: African/African-American, 0.0053%; no homozygotes.

Submissions (3):

Ambry Genetics
Classification: Likely benign for Inborn genetic diseases. Last evaluated: 2022-09-14. Review status: criteria provided, single submitter. Criteria: Ambry Variant Classification Scheme 2023. Collection method: clinical testing. Allele origin: germline.

Labcorp Genetics (formerly Invitae), Labcorp
Classification: Uncertain significance for Carnitine palmitoyl transferase 1A deficiency. Last evaluated: 2022-04-10. Review status: criteria provided, single submitter. Criteria: Invitae Variant Classification Sherloc (09022015). Collection method: clinical testing. Allele origin: germline.
Comment: This sequence change replaces glycine, which is neutral and non-polar, with serine, which is neutral and polar, at codon 212 of the CPT1A protein (p.Gly212Ser). This variant is present in population databases (rs141191480, gnomAD 0.005%). This variant has not been reported in the literature in individuals affected with CPT1A-related conditions. ClinVar contains an entry for this variant (Variation ID: 1062038). Algorithms developed to predict the effect of missense changes on protein structure and function output the following: SIFT: "Tolerated"; PolyPhen-2: "Benign"; Align-GVGD: "Class C0". The serine amino acid residue is found in multiple mammalian species, which suggests that this missense change does not adversely affect protein function. In summary, the available evidence is currently insufficient to determine the role of this variant in disease. Therefore, it has been classified as a Variant of Uncertain Significance.

Natera, Inc.
Classification: Uncertain significance for Carnitine palmitoyltransferase type I deficiency. Last evaluated: 2021-03-14. Review status: no assertion criteria provided. Collection method: clinical testing. Allele origin: germline. Not counted in ClinVar's aggregate classification.